The following is an entry in ClinVar:

NM_000551.4(VHL):c.105C>T (p.Ala35=)

Gene: VHL (von Hippel-Lindau tumor suppressor; plus strand). Cytogenetic location: 3p25.3.
Variant type: single nucleotide variant.
Coding change: c.105C>T on transcript NM_000551.4 (MANE Select); coding-DNA position 105, C replaced by T.
Protein change: p.Ala35=; no amino-acid change (alanine 35 retained).
Molecular consequence: synonymous variant. On other transcripts: non-coding transcript variant (1).
Genome position (GRCh38, 1-based): chr3:10,141,952, C>T. VCF-style: chr3-10141952-C-T. GRCh37 (hg19) VCF-style: chr3-10183636-C-T.
Other names: c.105C>T, p.Ala35= (NM_001354723.2, NM_198156.3).
Identifiers: ClinVar variation 4071202 (VCV004071202.1).
Genomic context (GRCh38, chr3:10,141,952, plus strand): 5'-GGAGGAGGCAGGCGTCGAAGAGTACGGCCCTGAAGAAGACGGCGGGGAGGAGTCGGGCGC[C>T]GAGGAGTCCGGCCCGGAAGAGTCCGGCCCGGAGGAACTGGGCGCCGAGGAGGAGATGGAG-3'
Protein context (NP_000542.1, residues 25-45): PEEDGGEESG[Ala35=]EESGPEESGP

ClinVar aggregate classification (germline): Benign (1 of 4 stars; one submission).

Conditions:
Von Hippel-Lindau syndrome (VHLS). Also called: Von Hippel-Lindau; von Hippel–Lindau syndrome; VHL syndrome. Identifiers: Orphanet 892, MedGen C0019562, MONDO:0008667, OMIM 193300. Disease mechanism: loss of function.

gnomAD v4.1: 1 of 1,545,034 alleles (0.000065%); highest among the groups gnomAD compares: Non-Finnish European, 0.000087%; no homozygotes.

Submission:

Myriad Genetics, Inc.
Classification: Benign for Von Hippel-Lindau syndrome. Last evaluated: 2025-06-10. Review status: criteria provided, single submitter. Criteria: Myriad Autosomal Dominant, Autosomal Recessive and X-Linked Classification Criteria (2023). Collection method: clinical testing. Allele origin: unknown.
Comment: This variant is considered benign. This variant is a silent/synonymous amino acid change and it is not expected to impact splicing.